The following is an entry in ClinVar:

ClinVar aggregate classification (germline): Uncertain significance. Review status: criteria provided, multiple submitters, no conflicts (2 of 4 stars). 3 submissions from 3 submitters: Uncertain significance (3). Last evaluated 2025-06-29.

Conditions:
Inborn genetic diseases. Identifiers: MedGen C0950123, MeSH D030342.
Amyotrophic lateral sclerosis type 4 (ALS4). Also called: AMYOTROPHIC LATERAL SCLEROSIS 4, JUVENILE; NEURONOPATHY, DISTAL HEREDITARY MOTOR, WITH PYRAMIDAL FEATURES. Identifiers: Orphanet 357043, MedGen C1865409, MONDO:0011223, OMIM 602433.

gnomAD v4.1: 14 of 1,613,354 alleles (0.00087%); highest among the groups gnomAD compares: Non-Finnish European, 0.0012%; no homozygotes.

Submissions (3):

Ambry Genetics
Classification: Uncertain significance for Inborn genetic diseases. Last evaluated: 2025-06-29. Review status: criteria provided, single submitter. Criteria: Ambry Variant Classification Scheme 2023. Collection method: clinical testing. Allele origin: germline.

Blueprint Genetics
Classification: Uncertain significance. Last evaluated: 2024-10-31. Review status: criteria provided, single submitter. Criteria: ACMG Guidelines, 2015. Collection method: clinical testing. Allele origin: germline.

Victorian Clinical Genetics Services, Murdoch Childrens Research Institute
Classification: Uncertain significance for Amyotrophic lateral sclerosis type 4. Last evaluated: 2023-07-17. Review status: criteria provided, single submitter. Criteria: ACMG Guidelines, 2015. Collection method: clinical testing. Allele origin: germline. Inheritance: Autosomal dominant inheritance. Affected: yes.
Comment: Based on the classification scheme VCGS_Germline_v1.3.4, this variant is classified as VUS-3C. Following criteria are met: 0102 - Loss of function is a known mechanism of disease in this gene and is associated with spinocerebellar ataxia with axonal neuropathy 2 (MIM#606002). The mechanism for juvenile amyotrophic lateral sclerosis 4 (MIM#602433) has not been established, but both gain of function and dominant negative mechanisms have been speculated. Missense variants have been reported in patients with both conditions (OMIM, PMID: 23129421, 16644229, 30052327). (I) 0108 - This gene is associated with both recessive and dominant disease (OMIM). (I) 0115 - Variants in this gene are known to have variable expressivity. Variable severity and features, as well as age of onset have been reported (GeneReviews, PMID: 22088787). (I) 0200 - Variant is predicted to result in a missense amino acid change from arginine to leucine. (I) 0251 - This variant is heterozygous. (I) 0304 - Variant is present in gnomAD <0.01 (1 heterozygote, 0 homozygotes). (SP) 0309 - An multiple alternative amino acid changes at the same position have been observed in gnomAD (v2: 64 heterozygotes, 0 homozygotes). (I) 0501 - Missense variant consistently predicted to be damaging by multiple in silico tools or highly conserved with a major amino acid change. (SP) 0604 - Variant is not located in an established domain, motif, hotspot or informative constraint region. (I) 0708 - Other missense variants comparable to the one identified in this case have conflicting previous evidence for pathogenicity. The p.(Arg1846His) has been classified as a VUS in ClinVar and reported in an individual with ALS (PMID:25299611), while the p.(Arg1846Cys) variant has been classified as likely benign and benign in ClinVar. (I) 0807 - This variant has no previous evidence of pathogenicity. (I) 0905 - No published segregation evidence has been identified for this variant. (I) 1007 - No published functional evidence has been identified for this variant. (I) Legend: (SP) - Supporting pathogenic, (I) - Information, (SB) - Supporting benign

Literature cited by the submitters: PubMed 16644229 (cited by Victorian Clinical Genetics Services, Murdoch Childrens Research Institute); PubMed 22088787 (cited by Victorian Clinical Genetics Services, Murdoch Childrens Research Institute); PubMed 23129421 (cited by Victorian Clinical Genetics Services, Murdoch Childrens Research Institute); PubMed 25299611 (cited by Victorian Clinical Genetics Services, Murdoch Childrens Research Institute); PubMed 30052327 (cited by Victorian Clinical Genetics Services, Murdoch Childrens Research Institute).

NM_015046.7(SETX):c.5537G>T (p.Arg1846Leu)

Gene: SETX (senataxin; minus strand). Cytogenetic location: 9q34.13.
Variant type: single nucleotide variant.
Coding change: c.5537G>T on transcript NM_015046.7 (MANE Select); coding-DNA position 5537, G replaced by T.
Protein change: p.Arg1846Leu; replaces arginine 1846 with leucine.
Molecular consequence: missense variant.
Genome position (GRCh38, 1-based): chr9:132,300,641, C>A on the plus strand (G>T on the coding strand, the complement: SETX is on the minus strand). VCF-style: chr9-132300641-C-A. GRCh37 (hg19) VCF-style: chr9-135176028-C-A.
Other names: c.5537G>T, p.Arg1846Leu (NM_001351527.2, NM_001351528.2); short protein forms R1846L.
Identifiers: ClinVar variation 3377498 (VCV003377498.3).